The following is an entry in ClinVar:

NM_000294.3(PHKG2):c.679del (p.Leu227fs)

Gene: PHKG2 (phosphorylase kinase catalytic subunit gamma 2; plus strand). Cytogenetic location: 16p11.2.
Variant type: Deletion.
Coding change: c.679del on transcript NM_000294.3 (MANE Select); coding-DNA position 679, one base deleted (C; older notation c.679delC).
Protein change: p.Leu227fs; shifts the reading frame from leucine 227.
Molecular consequence: frameshift variant.
Genome position (GRCh38, 1-based): chr16:30,756,398, C deleted; the last of 2 consecutive C bases (chr16:30,756,397-30,756,398); deleting either gives the same sequence. VCF-style (leftmost placement, unchanged base first): chr16-30756396-TC-T. GRCh37 (hg19) VCF-style: chr16-30767717-TC-T.
Other names: c.679del, p.Leu227fs (NM_001172432.2); short protein forms L227fs.
Identifiers: ClinVar variation 3721908 (VCV003721908.2).

ClinVar aggregate classification (germline): Pathogenic (1 of 4 stars; one submission).

Conditions:
Glycogen storage disease IXc (GSD9C). Also called: GSD IXc. Identifiers: Orphanet 264580, MedGen C2751643, MONDO:0013091, OMIM 613027.

Submission:

Labcorp Genetics (formerly Invitae), Labcorp
Classification: Pathogenic for Glycogen storage disease IXc. Last evaluated: 2024-10-06. Review status: criteria provided, single submitter. Criteria: Invitae Variant Classification Sherloc (09022015). Collection method: clinical testing. Allele origin: germline.
Comment: This sequence change creates a premature translational stop signal (p.Leu227Trpfs*14) in the PHKG2 gene. It is expected to result in an absent or disrupted protein product. Loss-of-function variants in PHKG2 are known to be pathogenic (PMID: 8896567, 17689125, 21646031). This variant is not present in population databases (gnomAD no frequency). This variant has not been reported in the literature in individuals affected with PHKG2-related conditions. For these reasons, this variant has been classified as Pathogenic.

Literature cited by the submitters: PubMed 8896567; PubMed 17689125; PubMed 21646031.